The following is an entry in ClinVar:

ClinVar aggregate classification (germline): Likely benign. Review status: criteria provided, single submitter (1 of 4 stars). 2 submissions from 2 submitters: Likely benign (1). 1 of the submissions does not count toward it. Last evaluated 2025-11-27.

Conditions:
PDP1-related disorder. Also called: PDP1-related condition.

Allele frequency attached by ClinVar (database versions not stated): gnomAD 0.00011 and 0.00013; TOPMed 0.00012; ESP Exome Variant Server 0.00015; 1000 Genomes Project 30x 0.00031; 1000 Genomes Project 0.00040.
gnomAD v4.1: 61 of 1,606,314 alleles (0.0038%); highest among the groups gnomAD compares: African/African-American, 0.059%; 1 homozygote.

Submissions (2):

Labcorp Genetics (formerly Invitae), Labcorp
Classification: Likely benign. Last evaluated: 2025-11-27. Review status: criteria provided, single submitter. Criteria: Invitae Variant Classification Sherloc (09022015). Collection method: clinical testing. Allele origin: germline.

PreventionGenetics, part of Exact Sciences
Classification: Likely benign for PDP1-related condition. Last evaluated: 2019-09-17. Review status: no assertion criteria provided. Collection method: clinical testing. Allele origin: germline. Not counted in ClinVar's aggregate classification.
Comment: This variant is classified as likely benign based on ACMG/AMP sequence variant interpretation guidelines (Richards et al. 2015 PMID: 25741868, with internal and published modifications).

NM_018444.4(PDP1):c.1446C>T (p.Leu482=)

Gene: PDP1 (pyruvate dehydrogenase phosphatase catalytic subunit 1; plus strand). Cytogenetic location: 8q22.1.
Variant type: single nucleotide variant.
Coding change: c.1446C>T on transcript NM_018444.4 (MANE Select); coding-DNA position 1446, C replaced by T.
Protein change: p.Leu482=; no amino-acid change (leucine 482 retained).
Molecular consequence: synonymous variant.
Genome position (GRCh38, 1-based): chr8:93,923,505, C>T. VCF-style: chr8-93923505-C-T. GRCh37 (hg19) VCF-style: chr8-94935733-C-T.
Other names: c.1521C>T (NM_001161779.1); c.1521C>T, p.Leu507= (NM_001161779.2, NM_001161780.2); c.1446C>T, p.Leu482= (NM_001161781.2).
Identifiers: ClinVar variation 1619060 (VCV001619060.10), dbSNP rs137975172, ClinGen allele CA4808830.
Genomic context (GRCh38, chr8:93,923,505, plus strand): 5'-AACAGAAAGGAGAACCAAAATGTCCTCGGTATTTGAGGATCAGAACGCAGCAACCCATCT[C>T]ATTCGCCACGCTGTGGGCAACAACGAGTTTGGGACTGTTGATCATGAGCGCCTCTCTAAA-3'
Protein context (NP_060914.2, residues 472-492): VFEDQNAATH[Leu482=]IRHAVGNNEF